The following is an entry in ClinVar:

ClinVar aggregate classification (germline): Uncertain significance. Review status: criteria provided, multiple submitters, no conflicts (2 of 4 stars). 2 submissions from 2 submitters: Uncertain significance (2). Last evaluated 2026-04-14.

Conditions:
Familial hemiplegic migraine. Identifiers: MedGen C0338484, MONDO:0000700.

Submissions (2):

GeneDx
Classification: Uncertain significance. Last evaluated: 2026-04-14. Review status: criteria provided, single submitter. Criteria: GeneDx Variant Classification Process June 2021. Collection method: clinical testing. Allele origin: germline.
Comment: Not observed at significant frequency in large population cohorts (gnomAD); In silico analysis supports that this missense variant has a deleterious effect on protein structure/function; Has not been previously published as pathogenic or benign to our knowledge; This variant is associated with the following publications: (PMID: 18184292)

Labcorp Genetics (formerly Invitae), Labcorp
Classification: Uncertain significance for Familial hemiplegic migraine. Last evaluated: 2022-06-05. Review status: criteria provided, single submitter. Criteria: Invitae Variant Classification Sherloc (09022015). Collection method: clinical testing. Allele origin: germline.
Comment: In summary, the available evidence is currently insufficient to determine the role of this variant in disease. Therefore, it has been classified as a Variant of Uncertain Significance. This sequence change replaces serine, which is neutral and polar, with proline, which is neutral and non-polar, at codon 369 of the ATP1A2 protein (p.Ser369Pro). This variant is not present in population databases (gnomAD no frequency). This variant has not been reported in the literature in individuals affected with ATP1A2-related conditions. Advanced modeling of protein sequence and biophysical properties (such as structural, functional, and spatial information, amino acid conservation, physicochemical variation, residue mobility, and thermodynamic stability) performed at Invitae indicates that this missense variant is expected to disrupt ATP1A2 protein function.

NM_000702.4(ATP1A2):c.1105T>C (p.Ser369Pro)

Gene: ATP1A2 (ATPase Na+/K+ transporting subunit alpha 2; plus strand). Cytogenetic location: 1q23.2.
Variant type: single nucleotide variant.
Coding change: c.1105T>C on transcript NM_000702.4 (MANE Select); coding-DNA position 1105, T replaced by C.
Protein change: p.Ser369Pro; replaces serine 369 with proline.
Molecular consequence: missense variant.
Genome position (GRCh38, 1-based): chr1:160,128,739, T>C. VCF-style: chr1-160128739-T-C. GRCh37 (hg19) VCF-style: chr1-160098529-T-C.
Other names: short protein forms S369P.
Identifiers: ClinVar variation 1930990 (VCV001930990.6), dbSNP rs2524868057, ClinGen allele CA343239398.